The following is an entry in ClinVar:

NM_003803.4(MYOM1):c.4175A>G (p.Tyr1392Cys)

Gene: MYOM1 (myomesin 1; minus strand). Cytogenetic location: 18p11.31.
Variant type: single nucleotide variant.
Coding change: c.4175A>G on transcript NM_003803.4 (MANE Select); coding-DNA position 4175, A replaced by G.
Protein change: p.Tyr1392Cys; replaces tyrosine 1392 with cysteine.
Molecular consequence: missense variant.
Genome position (GRCh38, 1-based): chr18:3,086,114, T>C on the plus strand (A>G on the coding strand, the complement: MYOM1 is on the minus strand). VCF-style: chr18-3086114-T-C. GRCh37 (hg19) VCF-style: chr18-3086112-T-C.
Other names: c.3887A>G, p.Tyr1296Cys (NM_019856.2); short protein forms Y1296C, Y1392C.
Identifiers: ClinVar variation 857807 (VCV000857807.10), dbSNP rs2079150468, ClinGen allele CA401710988.

ClinVar aggregate classification (germline): Uncertain significance (1 of 4 stars; one submission).

Conditions:
Hypertrophic cardiomyopathy. Also called: HYPERTROPHIC MYOCARDIOPATHY. Identifiers: Orphanet 217569, MedGen C0007194, MeSH D002312, MONDO:0005045, HP:0001639.

Submission:

Labcorp Genetics (formerly Invitae), Labcorp
Classification: Uncertain significance for Hypertrophic cardiomyopathy. Last evaluated: 2019-12-17. Review status: criteria provided, single submitter. Criteria: Invitae Variant Classification Sherloc (09022015). Collection method: clinical testing. Allele origin: germline.
Comment: In summary, the available evidence is currently insufficient to determine the role of this variant in disease. Therefore, it has been classified as a Variant of Uncertain Significance. Algorithms developed to predict the effect of missense changes on protein structure and function are either unavailable or do not agree on the potential impact of this missense change (SIFT: "Deleterious"; PolyPhen-2: "Probably Damaging"; Align-GVGD: "Class C0"). This variant has not been reported in the literature in individuals with MYOM1-related conditions. This variant is not present in population databases (ExAC no frequency). This sequence change replaces tyrosine with cysteine at codon 1392 of the MYOM1 protein (p.Tyr1392Cys). The tyrosine residue is moderately conserved and there is a large physicochemical difference between tyrosine and cysteine.